The following is an entry in ClinVar:

ClinVar aggregate classification (germline): Uncertain significance (1 of 4 stars; one submission).

Submission:

GeneDx
Classification: Uncertain significance. Last evaluated: 2025-05-12. Review status: criteria provided, single submitter. Criteria: GeneDx Variant Classification Process June 2021. Collection method: clinical testing. Allele origin: germline. Affected: yes.
Comment: Not observed at significant frequency in large population cohorts (gnomAD); In silico analysis supports that this missense variant has a deleterious effect on protein structure/function; Has not been previously published as pathogenic or benign to our knowledge

NM_001385012.1(NBEA):c.8821A>T (p.Ile2941Phe)

Gene: NBEA (neurobeachin; plus strand). Cytogenetic location: 13q13.3.
Variant type: single nucleotide variant.
Coding change: c.8821A>T on transcript NM_001385012.1 (MANE Select); coding-DNA position 8821, A replaced by T.
Protein change: p.Ile2941Phe; replaces isoleucine 2941 with phenylalanine.
Molecular consequence: missense variant.
Genome position (GRCh38, 1-based): chr13:35,670,908, A>T. VCF-style: chr13-35670908-A-T. GRCh37 (hg19) VCF-style: chr13-36245045-A-T.
Other names: c.2137A>T, p.Ile713Phe (NM_001204197.3); c.8812A>T, p.Ile2938Phe (NM_001379245.1); c.8758A>T, p.Ile2920Phe (NM_015678.5); short protein forms I2920F, I2938F, I2941F, I713F.
Identifiers: ClinVar variation 4529786 (VCV004529786.1).